The following is an entry in ClinVar:

NM_015896.4(ZMYND10):c.235G>A (p.Glu79Lys)

Gene: ZMYND10 (zinc finger MYND-type containing 10; minus strand). Cytogenetic location: 3p21.31.
Variant type: single nucleotide variant.
Coding change: c.235G>A on transcript NM_015896.4 (MANE Select); coding-DNA position 235, G replaced by A.
Protein change: p.Glu79Lys; replaces glutamic acid 79 with lysine.
Molecular consequence: missense variant.
Genome position (GRCh38, 1-based): chr3:50,343,817, C>T on the plus strand (G>A on the coding strand, the complement: ZMYND10 is on the minus strand). VCF-style: chr3-50343817-C-T. GRCh37 (hg19) VCF-style: chr3-50381248-C-T.
Other names: c.235G>A, p.Glu79Lys (NM_001308379.2); short protein forms E79K.
Identifiers: ClinVar variation 646011 (VCV000646011.4), dbSNP rs760700286, ClinGen allele CA2417269.

ClinVar aggregate classification (germline): Uncertain significance. Review status: criteria provided, multiple submitters, no conflicts (2 of 4 stars). 2 submissions from 2 submitters: Uncertain significance (2). Last evaluated 2022-08-16.

Conditions:
Primary ciliary dyskinesia 22. Also called: CILIARY DYSKINESIA, PRIMARY, 22, WITH OR WITHOUT SITUS INVERSUS. Identifiers: Orphanet 244, MedGen C3809543, MONDO:0014192, OMIM 615444.
Primary ciliary dyskinesia. Also called: Ciliary dyskinesia. Identifiers: Orphanet 244, MedGen C0008780, MONDO:0016575, HP:0012265.

Allele frequency attached by ClinVar (database versions not stated): gnomAD exomes below 0.00001 and 0.00001; ExAC 0.00001; TOPMed 0.00001; gnomAD 0.00002.
gnomAD v4.1: 25 of 1,614,102 alleles (0.0015%); highest among the groups gnomAD compares: Non-Finnish European, 0.0019%; no homozygotes.

Submissions (2):

Labcorp Genetics (formerly Invitae), Labcorp
Classification: Uncertain significance for Primary ciliary dyskinesia. Last evaluated: 2022-08-16. Review status: criteria provided, single submitter. Criteria: Invitae Variant Classification Sherloc (09022015). Collection method: clinical testing. Allele origin: germline.
Comment: This sequence change replaces glutamic acid, which is acidic and polar, with lysine, which is basic and polar, at codon 79 of the ZMYND10 protein (p.Glu79Lys). The frequency data for this variant in the population databases is considered unreliable, as metrics indicate poor data quality at this position in the gnomAD database. This variant has not been reported in the literature in individuals affected with ZMYND10-related conditions. ClinVar contains an entry for this variant (Variation ID: 646011). Algorithms developed to predict the effect of missense changes on protein structure and function are either unavailable or do not agree on the potential impact of this missense change (SIFT: "Tolerated"; PolyPhen-2: "Possibly Damaging"; Align-GVGD: "Class C0"). In summary, the available evidence is currently insufficient to determine the role of this variant in disease. Therefore, it has been classified as a Variant of Uncertain Significance.

Fulgent Genetics
Classification: Uncertain significance for Primary ciliary dyskinesia 22. Last evaluated: 2022-02-15. Review status: criteria provided, single submitter. Criteria: ACMG Guidelines, 2015. Collection method: clinical testing. Allele origin: unknown.